The following is an entry in ClinVar:

NM_001035.3(RYR2):c.309+7C>T

Gene: RYR2 (ryanodine receptor 2; plus strand). Cytogenetic location: 1q43.
Variant type: single nucleotide variant.
Coding change: c.309+7C>T on transcript NM_001035.3 (MANE Select); 7 bases into the intron after coding-DNA position 309, C replaced by T.
Molecular consequence: intron variant.
Genome position (GRCh38, 1-based): chr1:237,364,379, C>T. VCF-style: chr1-237364379-C-T. GRCh37 (hg19) VCF-style: chr1-237527679-C-T.
Identifiers: ClinVar variation 138934 (VCV000138934.22), dbSNP rs377710043, ClinGen allele CA009083.

ClinVar aggregate classification (germline): Benign/Likely benign. Review status: criteria provided, multiple submitters, no conflicts (2 of 4 stars). 8 submissions from 8 submitters: Benign (6); Likely benign (2). Last evaluated 2026-09-01.

Conditions:
Catecholaminergic polymorphic ventricular tachycardia 1. Also called: VENTRICULAR TACHYCARDIA, STRESS-INDUCED POLYMORPHIC 1; VENTRICULAR TACHYCARDIA, CATECHOLAMINERGIC POLYMORPHIC, 1, WITH OR WITHOUT ATRIAL DYSFUNCTION AND/OR DILATED CARDIOMYOPATHY; RYR2-Related Catecholaminergic Polymorphic Ventricular Tachycardia. Identifiers: Orphanet 3286, MedGen C1631597, MONDO:0011484, OMIM 604772.

Allele frequency attached by ClinVar (database versions not stated): gnomAD exomes 0.00039; ExAC 0.00076; ESP Exome Variant Server 0.00129; gnomAD 0.00137 and 0.00146; TOPMed 0.00165; 1000 Genomes Project 0.00180.
gnomAD v4.1: 354 of 1,522,486 alleles (0.023%); highest among the groups gnomAD compares: African/African-American, 0.42%; no homozygotes.

Submissions (8):

CeGaT Center for Human Genetics Tuebingen
Classification: Likely benign. Last evaluated: 2026-09-01. Review status: criteria provided, single submitter. Criteria: CeGaT Center For Human Genetics Tuebingen Variant Classification Criteria Version 2. Collection method: clinical testing. Allele origin: germline. Affected: yes. Observed: 1 variant allele.
Comment: RYR2: BP4, BS1

Labcorp Genetics (formerly Invitae), Labcorp
Classification: Benign for Catecholaminergic polymorphic ventricular tachycardia 1. Last evaluated: 2026-02-04. Review status: criteria provided, single submitter. Criteria: Invitae Variant Classification Sherloc (09022015). Collection method: clinical testing. Allele origin: germline.

Molecular Diagnostic Laboratory for Inherited Cardiovascular Disease, Montreal Heart Institute
Classification: Benign. Last evaluated: 2025-04-09. Review status: criteria provided, single submitter. Criteria: ACMG Guidelines, 2015. Collection method: clinical testing. Allele origin: germline. Affected: no.

Blueprint Genetics
Classification: Likely benign. Last evaluated: 2024-01-30. Review status: criteria provided, single submitter. Criteria: ACMG Guidelines, 2015. Collection method: clinical testing. Allele origin: germline.

ARUP Laboratories, Molecular Genetics and Genomics, ARUP Laboratories
Classification: Benign. Last evaluated: 2023-03-09. Review status: criteria provided, single submitter. Criteria: ARUP Molecular Germline Variant Investigation Process 2024. Collection method: clinical testing. Allele origin: germline.

Women's Health and Genetics/Laboratory Corporation of America, LabCorp
Classification: Benign. Last evaluated: 2022-07-02. Review status: criteria provided, single submitter. Criteria: LabCorp Variant Classification Summary - May 2015. Collection method: clinical testing. Allele origin: germline.

GeneDx
Classification: Benign. Last evaluated: 2014-01-24. Review status: criteria provided, single submitter. Criteria: GeneDx Variant Classification (06012015). Collection method: clinical testing. Allele origin: germline. Affected: yes.
Comment: This variant is considered likely benign or benign based on one or more of the following criteria: it is a conservative change, it occurs at a poorly conserved position in the protein, it is predicted to be benign by multiple in silico algorithms, and/or has population frequency not consistent with disease.

Laboratory for Molecular Medicine, Mass General Brigham Personalized Medicine
Classification: Benign. Last evaluated: 2012-03-19. Review status: criteria provided, single submitter. Criteria: LMM Criteria. Collection method: clinical testing. Allele origin: germline. Observed: 4 variant alleles.
Comment: c.309+7C>T in Intron 05 of RYR2: This variant is not expected to have clinical s ignificance because it is not located within the splice consensus sequence and h as been identified in 0.4% (11/2838) of African American chromosomes from a broa d population by the NHLBI Exome Sequencing Project (/EVS;).